The following is an entry in ClinVar:

ClinVar aggregate classification (germline): Conflicting classifications of pathogenicity. Review status: criteria provided, conflicting classifications (1 of 4 stars). 8 submissions from 8 submitters: Uncertain significance (1); Benign (3); Likely benign (3). 1 of the submissions does not count toward it. Last evaluated 2025-11-17.

Conditions:
Early-infantile DEE. Also called: Ohtahara syndrome; Early infantile epileptic encephalopathy; Early infantile epileptic encephalopathy with suppression bursts. Identifiers: Orphanet 1934, MedGen C0393706, MONDO:0800491.
SPTAN1-related disorder. Also called: SPTAN1-related disorders; SPTAN1-related condition.
Inborn genetic diseases. Identifiers: MedGen C0950123, MeSH D030342.
Developmental and epileptic encephalopathy, 5 (DEE5). Identifiers: Orphanet 3451, MedGen C3150731, MONDO:0013277, OMIM 613477.

Allele frequency attached by ClinVar (database versions not stated): ExAC 0.00009; gnomAD 0.00009; TOPMed 0.00009; gnomAD exomes 0.00010 and 0.00011; ESP Exome Variant Server 0.00023.
gnomAD v4.1: 171 of 1,613,926 alleles (0.011%); highest among the groups gnomAD compares: Middle Eastern, 0.066%; no homozygotes.

Submissions (8):

Labcorp Genetics (formerly Invitae), Labcorp
Classification: Benign for Early-infantile DEE. Last evaluated: 2025-11-17. Review status: criteria provided, single submitter. Criteria: Invitae Variant Classification Sherloc (09022015). Collection method: clinical testing. Allele origin: germline.

CeGaT Center for Human Genetics Tuebingen
Classification: Likely benign. Last evaluated: 2024-08-01. Review status: criteria provided, single submitter. Criteria: CeGaT Center For Human Genetics Tuebingen Variant Classification Criteria Version 2. Collection method: clinical testing. Allele origin: germline. Affected: yes. Observed: 5 variant alleles.
Comment: SPTAN1: BS2

Blueprint Genetics
Classification: Likely benign. Last evaluated: 2024-05-07. Review status: criteria provided, single submitter. Criteria: ACMG Guidelines, 2015. Collection method: clinical testing. Allele origin: germline.

Genome-Nilou Lab
Classification: Benign for Developmental and epileptic encephalopathy, 5. Last evaluated: 2021-07-15. Review status: criteria provided, single submitter. Criteria: ACMG Guidelines, 2015. Collection method: clinical testing. Allele origin: germline. Affected: no.

Institute of Human Genetics, University of Leipzig Medical Center
Classification: Benign for Developmental and epileptic encephalopathy, 5. Last evaluated: 2019-01-01. Review status: criteria provided, single submitter. Criteria: ACMG Guidelines, 2015. Collection method: clinical testing. Allele origin: unknown. Affected: yes.

GeneDx
Classification: Likely benign. Last evaluated: 2017-06-29. Review status: criteria provided, single submitter. Criteria: GeneDx Variant Classification (06012015). Collection method: clinical testing. Allele origin: germline. Affected: yes.
Comment: This variant is considered likely benign or benign based on one or more of the following criteria: it is a conservative change, it occurs at a poorly conserved position in the protein, it is predicted to be benign by multiple in silico algorithms, and/or has population frequency not consistent with disease.

Ambry Genetics
Classification: Uncertain significance for Inborn genetic diseases. Last evaluated: 2016-12-30. Review status: criteria provided, single submitter. Criteria: Ambry Variant Classification Scheme 2023. Collection method: clinical testing. Allele origin: germline.
Comment: The p.K2163R variant (also known as c.6488A>G), located in coding exon 48 of the SPTAN1 gene, results from an A to G substitution at nucleotide position 6488. The lysine at codon 2163 is replaced by arginine, an amino acid with highly similar properties. This amino acid position is highly conserved in available vertebrate species. In addition, the in silico prediction for this alteration is inconclusive. Since supporting evidence is limited at this time, the clinical significance of this alteration remains unclear.

PreventionGenetics, part of Exact Sciences
Classification: Likely benign for SPTAN1-related condition. Last evaluated: 2024-03-27. Review status: no assertion criteria provided. Collection method: clinical testing. Allele origin: germline. Not counted in ClinVar's aggregate classification.
Comment: This variant is classified as likely benign based on ACMG/AMP sequence variant interpretation guidelines (Richards et al. 2015 PMID: 25741868, with internal and published modifications).

NM_001130438.3(SPTAN1):c.6488A>G (p.Lys2163Arg)

Gene: SPTAN1 (spectrin alpha, non-erythrocytic 1; plus strand). Cytogenetic location: 9q34.11.
Variant type: single nucleotide variant.
Coding change: c.6488A>G on transcript NM_001130438.3 (MANE Select); coding-DNA position 6488, A replaced by G.
Protein change: p.Lys2163Arg; replaces lysine 2163 with arginine.
Molecular consequence: missense variant.
Genome position (GRCh38, 1-based): chr9:128,626,599, A>G. VCF-style: chr9-128626599-A-G. GRCh37 (hg19) VCF-style: chr9-131388878-A-G.
Other names: p.K2163R:AAG>AGG; c.6413A>G, p.Lys2138Arg (NM_001195532.2); c.6488A>G, p.Lys2163Arg (NM_001363759.2); c.6428A>G, p.Lys2143Arg (NM_001363765.2); c.6473A>G, p.Lys2158Arg (NM_003127.4); short protein forms K2163R, K2158R, K2138R, K2143R.
Identifiers: ClinVar variation 207354 (VCV000207354.47), dbSNP rs144289764, ClinGen allele CA318738.
Genomic context (GRCh38, chr9:128,626,599, plus strand): 5'-CCTCCCTCAGCTCTGCCCAGGCTGACTTCAACCAGCTGGCCGAGCTGGACCGCCAGATCA[A>G]GAGCTTCCGCGTAGCCTCCAACCCCTACACCTGGTTTACCATGGAGGCCCTGGAGGAGAC-3'
Protein context (NP_001123910.1, residues 2153-2173): NQLAELDRQI[Lys2163Arg]SFRVASNPYT